The following is an entry in ClinVar:

NM_000264.5(PTCH1):c.3988C>T (p.His1330Tyr)

Gene: PTCH1 (patched 1; minus strand). Cytogenetic location: 9q22.32.
Variant type: single nucleotide variant.
Coding change: c.3988C>T on transcript NM_000264.5 (MANE Select); coding-DNA position 3988, C replaced by T.
Protein change: p.His1330Tyr; replaces histidine 1330 with tyrosine.
Molecular consequence: missense variant. On other transcripts: non-coding transcript variant (1).
Genome position (GRCh38, 1-based): chr9:95,447,268, G>A on the plus strand (C>T on the coding strand, the complement: PTCH1 is on the minus strand). VCF-style: chr9-95447268-G-A. GRCh37 (hg19) VCF-style: chr9-98209550-G-A.
Other names: c.3535C>T, p.His1179Tyr (NM_001083605.3, NM_001083606.3, NM_001083607.3 and 1 more transcripts); c.3832C>T, p.His1278Tyr (NM_001354918.2); c.3790C>T, p.His1264Tyr (NM_001083602.3); c.3985C>T, p.His1329Tyr (NM_001083603.3); short protein forms H1278Y, H1329Y, H1330Y, H1179Y, H1264Y.
Identifiers: ClinVar variation 3690009 (VCV003690009.3).

ClinVar aggregate classification (germline): Uncertain significance. Review status: criteria provided, multiple submitters, no conflicts (2 of 4 stars). 2 submissions from 2 submitters: Uncertain significance (2). Last evaluated 2026-01-20.

Conditions:
Hereditary cancer-predisposing syndrome. Also called: Hereditary Cancer Syndrome; Neoplastic Syndromes, Hereditary; Tumor predisposition; Hereditary neoplastic syndrome. Identifiers: Orphanet 140162, MedGen C0027672, MeSH D009386, MONDO:0015356.
Gorlin syndrome. Also called: Nevoid Basal Cell Carcinoma Syndrome; Basal cell nevus syndrome. Identifiers: Orphanet 377, MedGen C0004779, MONDO:0007187.

Submissions (2):

Ambry Genetics
Classification: Uncertain significance for Hereditary cancer-predisposing syndrome. Last evaluated: 2026-01-20. Review status: criteria provided, single submitter. Criteria: Ambry Variant Classification Scheme 2023. Collection method: clinical testing. Allele origin: germline.
Comment: The p.H1330Y variant (also known as c.3988C>T), located in coding exon 23 of the PTCH1 gene, results from a C to T substitution at nucleotide position 3988. The histidine at codon 1330 is replaced by tyrosine, an amino acid with similar properties. This amino acid position is conserved. In addition, the in silico prediction for this alteration is inconclusive. Based on the available evidence, the clinical significance of this variant remains unclear.

Labcorp Genetics (formerly Invitae), Labcorp
Classification: Uncertain significance for Gorlin syndrome. Last evaluated: 2024-05-21. Review status: criteria provided, single submitter. Criteria: Invitae Variant Classification Sherloc (09022015). Collection method: clinical testing. Allele origin: germline.
Comment: This sequence change replaces histidine, which is basic and polar, with tyrosine, which is neutral and polar, at codon 1330 of the PTCH1 protein (p.His1330Tyr). This variant is not present in population databases (gnomAD no frequency). This variant has not been reported in the literature in individuals affected with PTCH1-related conditions. Advanced modeling of protein sequence and biophysical properties (such as structural, functional, and spatial information, amino acid conservation, physicochemical variation, residue mobility, and thermodynamic stability) performed at Invitae indicates that this missense variant is not expected to disrupt PTCH1 protein function with a negative predictive value of 95%. In summary, the available evidence is currently insufficient to determine the role of this variant in disease. Therefore, it has been classified as a Variant of Uncertain Significance.